The following is an entry in ClinVar:

NM_172107.4(KCNQ2):c.917C>T (p.Ala306Val)

Gene: KCNQ2 (potassium voltage-gated channel subfamily Q member 2; minus strand). Cytogenetic location: 20q13.33.
Variant type: single nucleotide variant.
Coding change: c.917C>T on transcript NM_172107.4 (MANE Select); coding-DNA position 917, C replaced by T.
Protein change: p.Ala306Val; replaces alanine 306 with valine.
Molecular consequence: missense variant.
Genome position (GRCh38, 1-based): chr20:63,439,608, G>A on the plus strand (C>T on the coding strand, the complement: KCNQ2 is on the minus strand). VCF-style: chr20-63439608-G-A. GRCh37 (hg19) VCF-style: chr20-62070961-G-A.
Other names: c.917C>T, p.Ala306Val (NM_004518.6, NM_172106.3, NM_172108.5 and 1 more transcripts); short protein forms A306V.
Identifiers: ClinVar variation 219235 (VCV000219235.26), dbSNP rs864321707, ClinGen allele CA347954.

ClinVar aggregate classification (germline): Pathogenic. Review status: criteria provided, multiple submitters, no conflicts (2 of 4 stars). 12 submissions from 11 submitters: Pathogenic (8). 4 of the submissions do not count toward it. Last evaluated 2026-08-01.

Conditions:
Early-infantile DEE. Also called: Ohtahara syndrome; Early infantile epileptic encephalopathy with suppression bursts; Early infantile epileptic encephalopathy. Identifiers: Orphanet 1934, MedGen C0393706, MONDO:0800491.
Autosomal recessive congenital ichthyosis 10 (ARCI10). Identifiers: Orphanet 79394, MedGen C3554355, MONDO:0014011, OMIM 615024.
Developmental and epileptic encephalopathy, 7 (DEE7). Also called: KCNQ2-Related Neonatal Epileptic Encephalopathy; Early infantile epileptic encephalopathy 7; KCNQ2-Related Neonatal-Onset Developmental and Epileptic Encephalopathy (NEO-DEE). Identifiers: Orphanet 439218, MedGen C3150986, MONDO:0013387, OMIM 613720.
KCNQ2-Related Disorders. Also called: KCNQ2-related condition; KCNQ2-related disorder. Identifiers: MedGen CN169299.
Seizures, benign familial neonatal, 1. Also called: KCNQ2-Related Benign Familial Neonatal Epilepsy; Benign Neonatal Epilepsy 1; Seizures, benign neonatal, 1; KCNQ2-Related Self-Limited Familial Neonatal Epilepsy (SLFNE). Identifiers: Orphanet 1949, MedGen C3149074, MONDO:0007365, OMIM 121200.

Submissions 1 to 9 of 18:

CeGaT Center for Human Genetics Tuebingen
Classification: Pathogenic. Last evaluated: 2026-08-01. Review status: criteria provided, single submitter. Criteria: CeGaT Center For Human Genetics Tuebingen Variant Classification Criteria Version 2. Collection method: clinical testing. Allele origin: germline. Affected: yes. Observed: 1 variant allele.
Comment: KCNQ2: PS2, PM2, PM5, PS4:Moderate, PP2, PP3

Labcorp Genetics (formerly Invitae), Labcorp
Classification: Pathogenic for Early-infantile DEE. Last evaluated: 2025-07-27. Review status: criteria provided, single submitter. Criteria: Invitae Variant Classification Sherloc (09022015). Collection method: clinical testing. Allele origin: germline.
Comment: This sequence change replaces alanine, which is neutral and non-polar, with valine, which is neutral and non-polar, at codon 306 of the KCNQ2 protein (p.Ala306Val). This variant is not present in population databases (gnomAD no frequency). This missense change has been observed in individual(s) with early onset epileptic encephalopathy and Ohtahara syndrome (PMID: 25959266, 26704558, 27535030, 29390993). In at least one individual the variant was observed to be de novo. ClinVar contains an entry for this variant (Variation ID: 219235). Invitae Evidence Modeling of protein sequence and biophysical properties (such as structural, functional, and spatial information, amino acid conservation, physicochemical variation, residue mobility, and thermodynamic stability) indicates that this missense variant is expected to disrupt KCNQ2 protein function with a positive predictive value of 95%. This variant disrupts the p.Ala306 amino acid residue in KCNQ2. Other variant(s) that disrupt this residue have been determined to be pathogenic (PMID: 9425895, 19453707, 26138355). This suggests that this residue is clinically significant, and that variants that disrupt this residue are likely to be disease-causing. For these reasons, this variant has been classified as Pathogenic.

Women's Health and Genetics/Laboratory Corporation of America, LabCorp
Classification: Pathogenic for KCNQ2-Related Disorders. Last evaluated: 2022-09-29. Review status: criteria provided, single submitter. Criteria: LabCorp Variant Classification Summary - May 2015. Collection method: clinical testing. Allele origin: germline.
Comment: Variant summary: KCNQ2 c.917C>T (p.Ala306Val) results in a non-conservative amino acid change located in the Ion transport domain (IPR005821) of the encoded protein sequence. Five of five in-silico tools predict a damaging effect of the variant on protein function. The variant was absent in 250792 control chromosomes. c.917C>T has been reported in the literature in individuals affected with early onset epileptic encephalopathy and Ohtahara syndrome, and in multiple cases was reported as a de novo variant (Ko_2018, Kothur_2018, Fernandez-Marmiesse_2018, Sun_2021, Shellhaas_2017, Bagnall_2016). These data indicate that the variant is very likely to be associated with disease. To our knowledge, no experimental evidence demonstrating an impact on protein function has been reported. Other variants affecting codon 306 have been reported in association with Epilepsy and/or neurodevelopmental disorders in HGMD (A306P, A306T). Four clinical diagnostic laboratories have submitted clinical-significance assessments for this variant to ClinVar after 2014 without evidence for independent evaluation. All laboratories classified the variant as pathogenic. Based on the evidence outlined above, the variant was classified as pathogenic.

GeneDx
Classification: Pathogenic. Last evaluated: 2022-09-22. Review status: criteria provided, single submitter. Criteria: GeneDx Variant Classification Process June 2021. Collection method: clinical testing. Allele origin: germline. Affected: yes.
Comment: This substitution is predicted to be within the transmembrane segment S6; Not observed at significant frequency in large population cohorts (gnomAD); In silico analysis supports that this missense variant has a deleterious effect on protein structure/function; Missense variants in this gene are often considered pathogenic (HGMD); This variant is associated with the following publications: (PMID: 27535030, 23708187, 32139178, 34120799, 29390993, 26704558, 25959266, 29455050, 31780880, 34055682, 29852413)

Illumina Laboratory Services, Illumina
Classification: Pathogenic. Last evaluated: 2022-08-04. Review status: criteria provided, single submitter. Criteria: ICSL CNVClassificationCriteria Aug2020. Collection method: clinical testing. Allele origin: unknown. Affected: yes.
Comment: The KCNQ2 c.917C>T (p.Ala306Val) missense variant results in the substitution of alanine at amino acid position 306 with valine. This variant has been reported in at least seven individuals with an early onset epilepsy phenotype, including in one case also associated with sudden unexpected death (PMID: 29390993; PMID: 32139178; PMID: 29455050; PMID: 32917465; PMID: 27535030; PMID: 31780880; PMID: 25959266; PMID: 26704558; PMID: 29852413; PMID: 34120799; PMID: 34055682). In four of these individuals the variant was reported to have occurred de novo (PMID: 34120799; PMID: 29852413; PMID: 27535030; PMID: 29390993). Another variant at the same amino acid position, c.916G>A p.Ala306Thr, has been reported in a heterozygous state in three probands, two with benign familial neonatal convulsions, both individuals inheriting the variant from affected parents (PMID: 9425895; PMID: 24375629). This variant is not found in version 2.1.1 or version 3.1.2 of the Genome Aggregation Database. Multiple lines of computational evidence suggest the variant may have a deleterious effect on the gene or gene product. Based on the available evidence, the c.917C>T (p.Ala306Val) variant is classified as pathogenic for KCNQ2-related disorders.

Fulgent Genetics
Classification: Pathogenic for Seizures, benign familial neonatal, 1; Developmental and epileptic encephalopathy, 7. Last evaluated: 2018-10-31. Review status: criteria provided, single submitter. Criteria: ACMG Guidelines, 2015. Collection method: clinical testing. Allele origin: unknown.

Neuberg Centre For Genomic Medicine, NCGM
Classification: Pathogenic for Autosomal recessive congenital ichthyosis 10. Review status: criteria provided, single submitter. Criteria: ACMG Guidelines, 2015. Collection method: clinical testing. Allele origin: germline. Affected: yes.
Comment: The missense variant p.S53W in PNPLA1 (NM_001145717.1) has been previously reported in homozygous state in an affected patient. The patient had a collodion membrane at birth (Boyden LM et al).The variant has been submitted to ClinVar as Pathogenic based on the same. The p.S53W variant is novel (not in any individuals) in gnomAD Exomes and is novel (not in any individuals) in 1000 Genomes. There is a large physicochemical difference between serine and tryptophan, which is likely to impact secondary protein structure as these residues differ in polarity, charge, size and/or other properties. For these reasons, this variant has been classified as Likely Pathogenic.

Neuberg Centre For Genomic Medicine, NCGM
Classification: Pathogenic for Developmental and epileptic encephalopathy, 7. Review status: criteria provided, single submitter. Criteria: ACMG Guidelines, 2015. Collection method: clinical testing. Allele origin: germline. Inheritance: Autosomal dominant inheritance. Affected: yes.
Comment: The missense variant p.A306V in KCNQ2 (NM_172107.4) has been reported in multiple individuals with Otahara syndrome, wherein it was proved to be de novo in some patients(Rim JH et al,Hortigüela M et al). The variant has been submitted to ClinVar as Pathogenic.The p.A306V variant is novel (not in any individuals) in gnomAD Exomes and is novel (not in any individuals) in 1000 Genomes.The p.A306V missense variant is predicted to be damaging by both SIFT and PolyPhen2. The alanine residue at codon 306 of KCNQ2 is conserved in all mammalian species. The nucleotide c.917 in KCNQ2 is predicted conserved by GERP++ and PhyloP across 100 vertebrates. For these reasons, this variant has been classified as Pathogenic.

Channelopathy-Associated Epilepsy Research Center
No classification provided (evidence only). Condition: Complex neurodevelopmental disorder. Review status: no classification provided. Collection method: literature only. Allele origin: not applicable. Functional consequence: Severe decrease in peak current, Severe slowing of activation, Normal voltage dependence of activation. Not counted in ClinVar's aggregate classification.
ClinVar note: "not provided" was previously submitted as the classification for the variant. However, the classification appeared to be based only on an observation of functional data so it was converted to no classification on 2025-07-30.